The following is an entry in ClinVar:

ClinVar aggregate classification (germline): Likely pathogenic (1 of 4 stars; one submission).

Conditions:
Glycogen storage disease, type V (GSD5). Also called: MUSCLE GLYCOGEN PHOSPHORYLASE DEFICIENCY; MYOPHOSPHORYLASE DEFICIENCY; PYGM DEFICIENCY; McArdle type glycogen storage disease; MCARDLE DISEASE. Identifiers: Orphanet 368, MedGen C0017924, MONDO:0009293, OMIM 232600.

Submission:

Labcorp Genetics (formerly Invitae), Labcorp
Classification: Likely pathogenic for Glycogen storage disease, type V. Last evaluated: 2022-12-13. Review status: criteria provided, single submitter. Criteria: Invitae Variant Classification Sherloc (09022015). Collection method: clinical testing. Allele origin: germline.
Comment: In summary, the currently available evidence indicates that the variant is pathogenic, but additional data are needed to prove that conclusively. Therefore, this variant has been classified as Likely Pathogenic. This variant disrupts the p.Arg490 amino acid residue in PYGM. Other variant(s) that disrupt this residue have been determined to be pathogenic (PMID: 17324573; Invitae). This suggests that this residue is clinically significant, and that variants that disrupt this residue are likely to be disease-causing. Advanced modeling of protein sequence and biophysical properties (such as structural, functional, and spatial information, amino acid conservation, physicochemical variation, residue mobility, and thermodynamic stability) performed at Invitae indicates that this missense variant is expected to disrupt PYGM protein function. This variant has not been reported in the literature in individuals affected with PYGM-related conditions. This variant is not present in population databases (gnomAD no frequency). This sequence change replaces arginine, which is basic and polar, with proline, which is neutral and non-polar, at codon 490 of the PYGM protein (p.Arg490Pro).

Literature cited by the submitters: PubMed 17324573.

NM_005609.4(PYGM):c.1469G>C (p.Arg490Pro)

Gene: PYGM (glycogen phosphorylase, muscle associated; minus strand). Cytogenetic location: 11q13.1.
Variant type: single nucleotide variant.
Coding change: c.1469G>C on transcript NM_005609.4 (MANE Select); coding-DNA position 1469, G replaced by C.
Protein change: p.Arg490Pro; replaces arginine 490 with proline.
Molecular consequence: missense variant.
Genome position (GRCh38, 1-based): chr11:64,753,122, C>G on the plus strand (G>C on the coding strand, the complement: PYGM is on the minus strand). VCF-style: chr11-64753122-C-G. GRCh37 (hg19) VCF-style: chr11-64520594-C-G.
Other names: c.1205G>C, p.Arg402Pro (NM_001164716.1); short protein forms R490P, R402P.
Identifiers: ClinVar variation 2820599 (VCV002820599.3), dbSNP rs1592410540, ClinGen allele CA381175035.